The following is an entry in ClinVar:

ClinVar aggregate classification (germline): Uncertain significance. Review status: criteria provided, multiple submitters, no conflicts (2 of 4 stars). 2 submissions from 2 submitters: Uncertain significance (2). Last evaluated 2024-11-28.

Conditions:
Inborn genetic diseases. Identifiers: MedGen C0950123, MeSH D030342.

Allele frequency attached by ClinVar (database versions not stated): ExAC 0.00003.
gnomAD v4.1: 21 of 1,613,026 alleles (0.0013%); highest among the groups gnomAD compares: African/African-American, 0.004%; no homozygotes.

Submissions (2):

Ambry Genetics
Classification: Uncertain significance for Inborn genetic diseases. Last evaluated: 2024-11-28. Review status: criteria provided, single submitter. Criteria: Ambry Variant Classification Scheme 2023. Collection method: clinical testing. Allele origin: germline.
Comment: The p.R915W variant (also known as c.2743C>T), located in coding exon 11 of the MECOM gene, results from a C to T substitution at nucleotide position 2743. The arginine at codon 915 is replaced by tryptophan, an amino acid with dissimilar properties. This amino acid position is conserved. In addition, the in silico prediction for this alteration is inconclusive. Based on the available evidence, the clinical significance of this variant remains unclear.

Labcorp Genetics (formerly Invitae), Labcorp
Classification: Uncertain significance. Last evaluated: 2023-12-12. Review status: criteria provided, single submitter. Criteria: Invitae Variant Classification Sherloc (09022015). Collection method: clinical testing. Allele origin: germline.
Comment: This sequence change replaces arginine, which is basic and polar, with tryptophan, which is neutral and slightly polar, at codon 727 of the MECOM protein (p.Arg727Trp). This variant is present in population databases (rs766507303, gnomAD 0.01%). This variant has not been reported in the literature in individuals affected with MECOM-related conditions. An algorithm developed to predict the effect of missense changes on protein structure and function (PolyPhen-2) suggests that this variant is likely to be disruptive. In summary, the available evidence is currently insufficient to determine the role of this variant in disease. Therefore, it has been classified as a Variant of Uncertain Significance.

NM_004991.4(MECOM):c.2743C>T (p.Arg915Trp)

Gene: MECOM (MDS1 and EVI1 complex locus; minus strand). Cytogenetic location: 3q26.2.
Variant type: single nucleotide variant.
Coding change: c.2743C>T on transcript NM_004991.4 (MANE Select); coding-DNA position 2743, C replaced by T.
Protein change: p.Arg915Trp; replaces arginine 915 with tryptophan.
Molecular consequence: missense variant.
Genome position (GRCh38, 1-based): chr3:169,102,088, G>A on the plus strand (C>T on the coding strand, the complement: MECOM is on the minus strand). VCF-style: chr3-169102088-G-A. GRCh37 (hg19) VCF-style: chr3-168819876-G-A.
Other names: c.2743C>T (NM_004991.3); c.2374C>T, p.Arg792Trp (NM_001105077.4); c.2179C>T, p.Arg727Trp (NM_001105078.4, NM_001205194.2, NM_001366469.2 and 1 more transcripts); c.2155C>T, p.Arg719Trp (NM_001163999.2, NM_001366470.2); c.2152C>T, p.Arg718Trp (NM_001164000.2, NM_001366471.2, NM_001366472.2); c.2716C>T, p.Arg906Trp (NM_001366466.2); c.2182C>T, p.Arg728Trp (NM_001366467.2, NM_001366468.2); c.1744C>T, p.Arg582Trp (NM_001366473.2); and 1 more; short protein forms R718W, R792W, R719W, R915W, R728W, R394W, R582W, R727W.
Identifiers: ClinVar variation 2878434 (VCV002878434.4), dbSNP rs766507303, ClinGen allele CA2696059.